The following is an entry in ClinVar:

ClinVar aggregate classification (germline): Benign/Likely benign. Review status: criteria provided, multiple submitters, no conflicts (2 of 4 stars). 9 submissions from 9 submitters: Benign (1); Likely benign (8). Last evaluated 2026-02-03.

Conditions:
Juvenile polyposis syndrome (JPS). Identifiers: Orphanet 2929, MedGen C0345893, MONDO:0017380, OMIM 174900.
Familial colorectal cancer type X. Identifiers: Orphanet 440437, MedGen C3896578, MONDO:0018604.
Hereditary cancer-predisposing syndrome. Also called: Neoplastic Syndromes, Hereditary; Hereditary Cancer Syndrome; Hereditary neoplastic syndrome; Tumor predisposition. Identifiers: Orphanet 140162, MedGen C0027672, MeSH D009386, MONDO:0015356.

Allele frequency attached by ClinVar (database versions not stated): TOPMed 0.00002; gnomAD 0.00003.
gnomAD v4.1: 47 of 1,613,722 alleles (0.0029%); highest among the groups gnomAD compares: Middle Eastern, 0.017%; 1 homozygote.

Submissions (9):

Labcorp Genetics (formerly Invitae), Labcorp
Classification: Likely benign for Juvenile polyposis syndrome. Last evaluated: 2026-02-03. Review status: criteria provided, single submitter. Criteria: Invitae Variant Classification Sherloc (09022015). Collection method: clinical testing. Allele origin: germline.

Myriad Genetics, Inc.
Classification: Benign for Juvenile polyposis syndrome. Last evaluated: 2024-07-31. Review status: criteria provided, single submitter. Criteria: Myriad Autosomal Dominant, Autosomal Recessive and X-Linked Classification Criteria (2023). Collection method: clinical testing. Allele origin: unknown.
Comment: This variant is considered benign. This variant is a silent/synonymous amino acid change and it is not expected to impact splicing.

Department of Pathology and Laboratory Medicine, Sinai Health System
Classification: Likely benign for Familial colorectal cancer type X. Last evaluated: 2024-02-20. Review status: criteria provided, single submitter. Criteria: ACMG Guidelines, 2015. Collection method: clinical testing. Allele origin: germline. Affected: yes.

All of Us Research Program, National Institutes of Health
Classification: Likely benign for Juvenile polyposis syndrome. Last evaluated: 2023-10-02. Review status: criteria provided, single submitter. Criteria: ACMG Guidelines, 2015. Collection method: clinical testing. Allele origin: germline. Inheritance: Autosomal dominant inheritance. Observed: 3 variant alleles, 3 heterozygotes.
Comment: This study involves interpretation of variants in research participants for the purpose of population health screening. Participant phenotype was not available at the time of variant classification. Additional details can be found in publication PMID: 35346344, PMCID: PMC8962531

Women's Health and Genetics/Laboratory Corporation of America, LabCorp
Classification: Likely benign. Last evaluated: 2023-04-04. Review status: criteria provided, single submitter. Criteria: LabCorp Variant Classification Summary - May 2015. Collection method: clinical testing. Allele origin: germline.

GeneDx
Classification: Likely benign. Last evaluated: 2021-11-01. Review status: criteria provided, single submitter. Criteria: GeneDx Variant Classification Process June 2021. Collection method: clinical testing. Allele origin: germline. Affected: yes.

Blueprint Genetics
Classification: Likely benign. Last evaluated: 2020-03-20. Review status: criteria provided, single submitter. Criteria: ACMG Guidelines, 2015. Collection method: clinical testing. Allele origin: germline.

Color Diagnostics, LLC DBA Color Health
Classification: Likely benign for Hereditary cancer-predisposing syndrome. Last evaluated: 2017-03-16. Review status: criteria provided, single submitter. Criteria: ACMG Guidelines, 2015. Collection method: clinical testing. Allele origin: germline.

Ambry Genetics
Classification: Likely benign for Hereditary cancer-predisposing syndrome. Last evaluated: 2016-11-03. Review status: criteria provided, single submitter. Criteria: Ambry Variant Classification Scheme 2023. Collection method: clinical testing. Allele origin: germline.

NM_004329.3(BMPR1A):c.117C>T (p.Ser39=)

Gene: BMPR1A (bone morphogenetic protein receptor type 1A; plus strand). Cytogenetic location: 10q23.2.
Variant type: single nucleotide variant.
Coding change: c.117C>T on transcript NM_004329.3 (MANE Select); coding-DNA position 117, C replaced by T.
Protein change: p.Ser39=; no amino-acid change (serine 39 retained).
Molecular consequence: synonymous variant.
Genome position (GRCh38, 1-based): chr10:86,890,111, C>T. VCF-style: chr10-86890111-C-T. GRCh37 (hg19) VCF-style: chr10-88649868-C-T.
Identifiers: ClinVar variation 460476 (VCV000460476.27), dbSNP rs757333646, ClinGen allele CA5585435.